The following is an entry in ClinVar:

NM_024721.5(ZFHX4):c.5407dup (p.Tyr1803fs)

Gene: ZFHX4 (zinc finger homeobox 4; plus strand). Cytogenetic location: 8q21.13.
Variant type: Duplication.
Coding change: c.5407dup on transcript NM_024721.5 (MANE Select); coding-DNA position 5407, one base duplicated (T; older notation c.5407dupT).
Protein change: p.Tyr1803fs; shifts the reading frame from tyrosine 1803.
Molecular consequence: frameshift variant.
Genome position (GRCh38, 1-based): chr8:76,852,328, T duplicated. VCF-style (leftmost placement, unchanged base first): chr8-76852327-A-AT. GRCh37 (hg19) VCF-style: chr8-77764563-A-AT.
Other names: c.5329dup, p.Tyr1777fs (NM_001410934.1); short protein forms Y1777fs, Y1803fs.
Identifiers: ClinVar variation 3900274 (VCV003900274.1).
Genomic context (GRCh38, chr8:76,852,327, plus strand): 5'-TCAAACCCAACATCACGTTGGTCAAACTCAACTCCAGATACTACAGCAACAAGCACAACA[A>AT]TACCAAGCCACACAGCCCCAGCTGCAGCCTCAAAAACAACAGCAGCAGCCACCACCTCCA-3'

ClinVar aggregate classification (germline): Uncertain significance (1 of 4 stars; one submission).

Submission:

GeneDx
Classification: Uncertain significance. Last evaluated: 2022-08-31. Review status: criteria provided, single submitter. Criteria: GeneDx Variant Classification Process June 2021. Collection method: clinical testing. Allele origin: germline. Affected: yes.
Comment: Frameshift variant predicted to result in protein truncation or nonsense mediated decay in a gene or region of a gene for which loss of function is not a well-established mechanism of disease; Not observed at significant frequency in large population cohorts (gnomAD); Has not been previously published as pathogenic or benign to our knowledge; Variants in candidate genes are classified as variants of uncertain significance in accordance with ACMG guidelines (Richards et al., 2015)